The following is an entry in ClinVar:

NM_004036.5(ADCY3):c.2754G>A (p.Thr918=)

Gene: ADCY3 (adenylate cyclase 3; minus strand). Cytogenetic location: 2p23.3.
Variant type: single nucleotide variant.
Coding change: c.2754G>A on transcript NM_004036.5 (MANE Select); coding-DNA position 2754, G replaced by A.
Protein change: p.Thr918=; no amino-acid change (threonine 918 retained).
Molecular consequence: synonymous variant.
Genome position (GRCh38, 1-based): chr2:24,823,338, C>T on the plus strand (G>A on the coding strand, the complement: ADCY3 is on the minus strand). VCF-style: chr2-24823338-C-T. GRCh37 (hg19) VCF-style: chr2-25046207-C-T.
Other names: c.2757G>A, p.Thr919= (NM_001320613.2); c.2757G>A (NM_001320613.1).
Identifiers: ClinVar variation 770867 (VCV000770867.34), dbSNP rs143693626, ClinGen allele CA1553615.

ClinVar aggregate classification (germline): Benign/Likely benign. Review status: criteria provided, multiple submitters, no conflicts (2 of 4 stars). 4 submissions from 4 submitters: Benign (2); Likely benign (1). 1 of the submissions does not count toward it. Last evaluated 2025-11-30.

Conditions:
ADCY3-related disorder. Also called: ADCY3-related condition.

Allele frequency attached by ClinVar (database versions not stated): 1000 Genomes Project 30x 0.00156; 1000 Genomes Project 0.00180; ESP Exome Variant Server 0.00200; TOPMed 0.00201; gnomAD 0.00256 and 0.00261; ExAC 0.00302; gnomAD exomes 0.00302 and 0.00352.
gnomAD v4.1: 5,490 of 1,613,406 alleles (0.34%); highest among the groups gnomAD compares: South Asian, 0.36%; 14 homozygotes.

Submissions (4):

Labcorp Genetics (formerly Invitae), Labcorp
Classification: Benign. Last evaluated: 2025-11-30. Review status: criteria provided, single submitter. Criteria: Invitae Variant Classification Sherloc (09022015). Collection method: clinical testing. Allele origin: germline.

CeGaT Center for Human Genetics Tuebingen
Classification: Likely benign. Last evaluated: 2022-05-01. Review status: criteria provided, single submitter. Criteria: CeGaT Center For Human Genetics Tuebingen Variant Classification Criteria Version 2. Collection method: clinical testing. Allele origin: germline. Affected: yes. Observed: 1 variant allele.
Comment: ADCY3: BP4, BP7

Breakthrough Genomics
Classification: Benign. Review status: criteria provided, single submitter. Criteria: ACMG Guidelines, 2015. Collection method: not provided. Allele origin: germline. Inheritance: Autosomal recessive inheritance. Affected: yes.

PreventionGenetics, part of Exact Sciences
Classification: Benign for ADCY3-related condition. Last evaluated: 2021-09-02. Review status: no assertion criteria provided. Collection method: clinical testing. Allele origin: germline. Not counted in ClinVar's aggregate classification.
Comment: This variant is classified as benign based on ACMG/AMP sequence variant interpretation guidelines (Richards et al. 2015 PMID: 25741868, with internal and published modifications).